The following is an entry in ClinVar:

ClinVar aggregate classification (germline): Benign (1 of 4 stars; one submission).

Allele frequency attached by ClinVar (database versions not stated): 1000 Genomes Project 0.02336; gnomAD 0.02357; 1000 Genomes Project 30x 0.02467; TOPMed 0.02514.
gnomAD v4.1: 3,540 of 152,318 alleles (2.3%); highest among the groups gnomAD compares: African/African-American, 8%; 134 homozygotes.

Submission:

GeneDx
Classification: Benign. Last evaluated: 2018-06-14. Review status: criteria provided, single submitter. Criteria: GeneDx Variant Classification (06012015). Collection method: clinical testing. Allele origin: germline. Affected: yes.
Comment: This variant is considered likely benign or benign based on one or more of the following criteria: it is a conservative change, it occurs at a poorly conserved position in the protein, it is predicted to be benign by multiple in silico algorithms, and/or has population frequency not consistent with disease.

NM_024334.3(TMEM43):c.882+336A>C

Gene: TMEM43 (transmembrane protein 43; plus strand). Cytogenetic location: 3p25.1.
Variant type: single nucleotide variant.
Coding change: c.882+336A>C on transcript NM_024334.3 (MANE Select); 336 bases into the intron after coding-DNA position 882, A replaced by C.
Molecular consequence: intron variant.
Genome position (GRCh38, 1-based): chr3:14,136,244, A>C. VCF-style: chr3-14136244-A-C. GRCh37 (hg19) VCF-style: chr3-14177744-A-C.
Identifiers: ClinVar variation 669600 (VCV000669600.1), dbSNP rs75263282, ClinGen allele CA69732466.
Genomic context (GRCh38, chr3:14,136,244, plus strand): 5'-ATACTTTGTACACATCGCCTGAAGGTGATTTTATACAATGCAACCCGTCACATGGGGTCA[A>C]GTGTGGGATTTCCACTAGTGGCGTCATGTTGGCATTCAGAAAGTTTTGGATTTTGGAGCA-3'